The following is an entry in ClinVar:

NM_004064.5(CDKN1B):c.135G>C (p.Leu45Phe)

Gene: CDKN1B (cyclin dependent kinase inhibitor 1B; plus strand). Cytogenetic location: 12p13.1.
Variant type: single nucleotide variant.
Coding change: c.135G>C on transcript NM_004064.5 (MANE Select); coding-DNA position 135, G replaced by C.
Protein change: p.Leu45Phe; replaces leucine 45 with phenylalanine.
Molecular consequence: missense variant.
Genome position (GRCh38, 1-based): chr12:12,717,974, G>C. VCF-style: chr12-12717974-G-C. GRCh37 (hg19) VCF-style: chr12-12870908-G-C.
Other names: short protein forms L45F.
Identifiers: ClinVar variation 3265541 (VCV003265541.3).

ClinVar aggregate classification (germline): Uncertain significance. Review status: criteria provided, multiple submitters, no conflicts (2 of 4 stars). 2 submissions from 2 submitters: Uncertain significance (2). Last evaluated 2024-05-23.

Conditions:
Hereditary cancer-predisposing syndrome. Also called: Neoplastic Syndromes, Hereditary; Hereditary neoplastic syndrome; Tumor predisposition; Hereditary Cancer Syndrome. Identifiers: Orphanet 140162, MedGen C0027672, MeSH D009386, MONDO:0015356.
Multiple endocrine neoplasia type 4. Also called: MULTIPLE ENDOCRINE NEOPLASIA, TYPE IV. Identifiers: Orphanet 276152, MedGen C1970712, MONDO:0012552, OMIM 610755.

gnomAD v4.1: 3 of 1,614,228 alleles (0.00019%); highest among the groups gnomAD compares: Non-Finnish European, 0.00025%; no homozygotes.

Submissions (2):

Ambry Genetics
Classification: Uncertain significance for Hereditary cancer-predisposing syndrome. Last evaluated: 2024-05-23. Review status: criteria provided, single submitter. Criteria: Ambry Variant Classification Scheme 2023. Collection method: clinical testing. Allele origin: germline.
Comment: The p.L45F variant (also known as c.135G>C), located in coding exon 1 of the CDKN1B gene, results from a G to C substitution at nucleotide position 135. The leucine at codon 45 is replaced by phenylalanine, an amino acid with highly similar properties. This amino acid position is conserved. In addition, this alteration is predicted to be tolerated by in silico analysis. Based on the available evidence, the clinical significance of this variant remains unclear.

Labcorp Genetics (formerly Invitae), Labcorp
Classification: Uncertain significance for Multiple endocrine neoplasia type 4. Last evaluated: 2024-04-13. Review status: criteria provided, single submitter. Criteria: Invitae Variant Classification Sherloc (09022015). Collection method: clinical testing. Allele origin: germline.
Comment: This sequence change replaces leucine, which is neutral and non-polar, with phenylalanine, which is neutral and non-polar, at codon 45 of the CDKN1B protein (p.Leu45Phe). This variant is not present in population databases (gnomAD no frequency). This variant has not been reported in the literature in individuals affected with CDKN1B-related conditions. An algorithm developed to predict the effect of missense changes on protein structure and function (PolyPhen-2) suggests that this variant is likely to be tolerated. In summary, the available evidence is currently insufficient to determine the role of this variant in disease. Therefore, it has been classified as a Variant of Uncertain Significance.